The following is an entry in ClinVar:

ClinVar aggregate classification (germline): Pathogenic (1 of 4 stars; one submission).

Submission:

Labcorp Genetics (formerly Invitae), Labcorp
Classification: Pathogenic. Last evaluated: 2025-01-27. Review status: criteria provided, single submitter. Criteria: Invitae Variant Classification Sherloc (09022015). Collection method: clinical testing. Allele origin: germline.
Comment: This sequence change creates a premature translational stop signal (p.Thr581Argfs*57) in the SLC4A1 gene. It is expected to result in an absent or disrupted protein product. Loss-of-function variants in SLC4A1 are known to be pathogenic (PMID: 8943874, 10926824, 23255290). This variant is not present in population databases (gnomAD no frequency). This premature translational stop signal has been observed in individual(s) with spherocytosis (PMID: 21637597). Algorithms developed to predict the effect of sequence changes on RNA splicing suggest that this variant may disrupt the consensus splice site. For these reasons, this variant has been classified as Pathogenic.

Literature cited by the submitters: PubMed 8943874; PubMed 10926824; PubMed 23255290; PubMed 21637597.

NM_000342.4(SLC4A1):c.1738_1741dup (p.Thr581fs)

Gene: SLC4A1 (solute carrier family 4 member 1 (Diego blood group); minus strand). Cytogenetic location: 17q21.31.
Variant type: Duplication.
Coding change: c.1738_1741dup on transcript NM_000342.4 (MANE Select); coding-DNA positions 1738 to 1741, 4 bases duplicated (GGTA; older notation c.1738_1741dupGGTA).
Protein change: p.Thr581fs; shifts the reading frame from threonine 581.
Molecular consequence: frameshift variant.
Genome position (GRCh38, 1-based): chr17:44,255,732-44,255,735, TACC duplicated on the plus strand (GGTA on the coding strand, the reverse complement: SLC4A1 is on the minus strand). VCF-style (leftmost placement, unchanged base first): chr17-44255731-G-GTACC. GRCh37 (hg19) VCF-style: chr17-42333099-G-GTACC.
Other names: short protein forms T581fs.
Identifiers: ClinVar variation 3729646 (VCV003729646.2).